The following is an entry in ClinVar:

NM_001256007.3(PNPLA8):c.1466C>T (p.Ala489Val)

Gene: PNPLA8 (patatin like domain 8, phospholipase A2; minus strand). Cytogenetic location: 7q31.1.
Variant type: single nucleotide variant.
Coding change: c.1466C>T on transcript NM_001256007.3 (MANE Select); coding-DNA position 1466, C replaced by T.
Protein change: p.Ala489Val; replaces alanine 489 with valine.
Molecular consequence: missense variant.
Genome position (GRCh38, 1-based): chr7:108,496,743, G>A on the plus strand (C>T on the coding strand, the complement: PNPLA8 is on the minus strand). VCF-style: chr7-108496743-G-A. GRCh37 (hg19) VCF-style: chr7-108137187-G-A.
Other names: c.1466C>T, p.Ala489Val (NM_001256008.3, NM_001256009.3, NM_015723.5); c.1166C>T, p.Ala389Val (NM_001256010.3, NM_001256011.3); short protein forms A389V, A489V.
Identifiers: ClinVar variation 1901442 (VCV001901442.2), dbSNP rs762435777, ClinGen allele CA368896351.

ClinVar aggregate classification (germline): Uncertain significance (1 of 4 stars; one submission).

Allele frequency attached by ClinVar (database versions not stated): gnomAD exomes 0.00004; TOPMed 0.00005; gnomAD 0.00006.
gnomAD v4.1: 64 of 1,608,806 alleles (0.004%); highest among the groups gnomAD compares: African/African-American, 0.0054%; no homozygotes.

Submission:

Labcorp Genetics (formerly Invitae), Labcorp
Classification: Uncertain significance. Last evaluated: 2021-12-23. Review status: criteria provided, single submitter. Criteria: Invitae Variant Classification Sherloc (09022015). Collection method: clinical testing. Allele origin: germline.
Comment: This sequence change replaces alanine, which is neutral and non-polar, with valine, which is neutral and non-polar, at codon 489 of the PNPLA8 protein (p.Ala489Val). This variant is present in population databases (no rsID available, gnomAD 0.008%). This variant has not been reported in the literature in individuals affected with PNPLA8-related conditions. Algorithms developed to predict the effect of missense changes on protein structure and function are either unavailable or do not agree on the potential impact of this missense change (SIFT: "Tolerated"; PolyPhen-2: "Probably Damaging"; Align-GVGD: "Class C0"). In summary, the available evidence is currently insufficient to determine the role of this variant in disease. Therefore, it has been classified as a Variant of Uncertain Significance.